The following is an entry in ClinVar:

NM_005207.4(CRKL):c.903A>C (p.Glu301Asp)

Gene: CRKL (CRK like proto-oncogene, adaptor protein; plus strand). Cytogenetic location: 22q11.21.
Variant type: single nucleotide variant.
Coding change: c.903A>C on transcript NM_005207.4 (MANE Select); coding-DNA position 903, A replaced by C.
Protein change: p.Glu301Asp; replaces glutamic acid 301 with aspartic acid.
Molecular consequence: missense variant. On other transcripts: non-coding transcript variant (1).
Genome position (GRCh38, 1-based): chr22:20,949,836, A>C. VCF-style: chr22-20949836-A-C. GRCh37 (hg19) VCF-style: chr22-21304124-A-C.
Other names: short protein forms E301D.
Identifiers: ClinVar variation 3665056 (VCV003665056.2).
Genomic context (GRCh38, chr22:20,949,836, plus strand): 5'-GCGCAAAGGGCTTTTCCCCTTTACGCACGTCAAAATCTTTGACCCTCAAAACCCAGATGA[A>C]AACGAGTGATTGCTGTTGCCCTGTTTCCTGCTGCTTTGTTGTTCTGCCTGTCCTAGTCTC-3'
Protein context (NP_005198.1, residues 291-303): VKIFDPQNPD[Glu301Asp]NE

ClinVar aggregate classification (germline): Uncertain significance (1 of 4 stars; one submission).

gnomAD v4.1: 12 of 1,607,528 alleles (0.00075%); highest among the groups gnomAD compares: Middle Eastern, 0.033%; no homozygotes.

Submission:

Labcorp Genetics (formerly Invitae), Labcorp
Classification: Uncertain significance. Last evaluated: 2024-10-28. Review status: criteria provided, single submitter. Criteria: Invitae Variant Classification Sherloc (09022015). Collection method: clinical testing. Allele origin: germline.
Comment: This sequence change replaces glutamic acid, which is acidic and polar, with aspartic acid, which is acidic and polar, at codon 301 of the CRKL protein (p.Glu301Asp). This variant is present in population databases (rs201830706, gnomAD 0.004%). This variant has not been reported in the literature in individuals affected with CRKL-related conditions. An algorithm developed to predict the effect of missense changes on protein structure and function outputs the following: PolyPhen-2: "Probably Damaging". The aspartic acid amino acid residue is found in multiple mammalian species, which suggests that this missense change does not adversely affect protein function. In summary, the available evidence is currently insufficient to determine the role of this variant in disease. Therefore, it has been classified as a Variant of Uncertain Significance.